The following is an entry in ClinVar:

NM_145167.3(PIGM):c.605A>G (p.Lys202Arg)

Gene: PIGM (phosphatidylinositol glycan anchor biosynthesis class M; minus strand). Cytogenetic location: 1q23.2.
Variant type: single nucleotide variant.
Coding change: c.605A>G on transcript NM_145167.3 (MANE Select); coding-DNA position 605, A replaced by G.
Protein change: p.Lys202Arg; replaces lysine 202 with arginine.
Molecular consequence: missense variant.
Genome position (GRCh38, 1-based): chr1:160,031,135, T>C on the plus strand (A>G on the coding strand, the complement: PIGM is on the minus strand). VCF-style: chr1-160031135-T-C. GRCh37 (hg19) VCF-style: chr1-160000925-T-C.
Other names: short protein forms K202R.
Identifiers: ClinVar variation 2873823 (VCV002873823.4), dbSNP rs368232644, ClinGen allele CA1193007.

ClinVar aggregate classification (germline): Uncertain significance. Review status: criteria provided, multiple submitters, no conflicts (2 of 4 stars). 2 submissions from 2 submitters: Uncertain significance (2). Last evaluated 2025-09-05.

Conditions:
Hypercoagulability syndrome due to glycosylphosphatidylinositol deficiency (GPIBD1). Also called: GLYCOSYLPHOSPHATIDYLINOSITOL BIOSYNTHESIS DEFECT 1. Identifiers: Orphanet 83639, MedGen C5201145, MONDO:0012465, OMIM 610293.

Allele frequency attached by ClinVar (database versions not stated): gnomAD exomes below 0.00001; gnomAD 0.00001; ExAC 0.00002; TOPMed 0.00002; ESP Exome Variant Server 0.00015.
gnomAD v4.1: 6 of 1,613,866 alleles (0.00037%); highest among the groups gnomAD compares: African/African-American, 0.0053%; no homozygotes.

Submissions (2):

Ambry Genetics
Classification: Uncertain significance. Last evaluated: 2025-09-05. Review status: criteria provided, single submitter. Criteria: Ambry Variant Classification Scheme 2023. Collection method: clinical testing. Allele origin: germline.

Labcorp Genetics (formerly Invitae), Labcorp
Classification: Uncertain significance for Hypercoagulability syndrome due to glycosylphosphatidylinositol deficiency. Last evaluated: 2024-09-30. Review status: criteria provided, single submitter. Criteria: Invitae Variant Classification Sherloc (09022015). Collection method: clinical testing. Allele origin: germline.
Comment: This sequence change replaces lysine, which is basic and polar, with arginine, which is basic and polar, at codon 202 of the PIGM protein (p.Lys202Arg). This variant is present in population databases (rs368232644, gnomAD 0.01%). This variant has not been reported in the literature in individuals affected with PIGM-related conditions. An algorithm developed to predict the effect of missense changes on protein structure and function (PolyPhen-2) suggests that this variant is likely to be tolerated. In summary, the available evidence is currently insufficient to determine the role of this variant in disease. Therefore, it has been classified as a Variant of Uncertain Significance.